The following is an entry in ClinVar:

NM_001174089.2(SLC4A11):c.672G>A (p.Trp224Ter)

Gene: SLC4A11 (solute carrier family 4 member 11; minus strand). Cytogenetic location: 20p13.
Variant type: single nucleotide variant.
Coding change: c.672G>A on transcript NM_001174089.2 (MANE Select); coding-DNA position 672, G replaced by A.
Protein change: p.Trp224Ter; replaces tryptophan 224 with a stop codon.
Molecular consequence: nonsense. On other transcripts: non-coding transcript variant (1).
Genome position (GRCh38, 1-based): chr20:3,233,571, C>T on the plus strand (G>A on the coding strand, the complement: SLC4A11 is on the minus strand). VCF-style: chr20-3233571-C-T. GRCh37 (hg19) VCF-style: chr20-3214217-C-T.
Other names: c.720G>A (NM_032034.3); c.801G>A, p.Trp267Ter (NM_001174090.2); c.672G>A, p.Trp224Ter (NM_001363745.2); c.720G>A, p.Trp240Ter (NM_032034.4); short protein forms W224*, W240*, W267*.
Identifiers: ClinVar variation 1075409 (VCV001075409.9), dbSNP rs772916997, ClinGen allele CA408092631.

ClinVar aggregate classification (germline): Pathogenic. Review status: criteria provided, multiple submitters, no conflicts (2 of 4 stars). 2 submissions from 2 submitters: Pathogenic (2). Last evaluated 2025-02-13.

Conditions:
Corneal dystrophy-perceptive deafness syndrome (CDPD). Also called: CORNEAL DYSTROPHY AND SENSORINEURAL DEAFNESS; HARBOYAN SYNDROME. Identifiers: Orphanet 1490, MedGen C1857572, MONDO:0009015, OMIM 217400.

Submissions (2):

Natera, Inc.
Classification: Pathogenic for Corneal dystrophy-perceptive deafness syndrome. Last evaluated: 2025-02-13. Review status: criteria provided, single submitter. Criteria: Natera Variant Classification Schema (03/2026). Collection method: clinical testing. Allele origin: germline.
Comment: The c.720G>A variant in SLC4A11 is a nonsense variant predicted to introduce a stop codon at amino acid 240. This variant is expected to result in nonsense mediated decay, truncation, or a dysfunctional protein product. This variant is rare in the general population with a frequency below the threshold expected for the associated phenotype(s). This variant has been observed in one or more individuals affected with the associated recessive disease, as either homozygous or compound heterozygous with a second variant (PMID: 17397048). Given the available evidence, this variant is classified as Pathogenic.

Labcorp Genetics (formerly Invitae), Labcorp
Classification: Pathogenic. Last evaluated: 2022-05-01. Review status: criteria provided, single submitter. Criteria: Invitae Variant Classification Sherloc (09022015). Collection method: clinical testing. Allele origin: germline.
Comment: For these reasons, this variant has been classified as Pathogenic. ClinVar contains an entry for this variant (Variation ID: 1075409). This premature translational stop signal has been observed in individual(s) with congenital hereditary endothelial dystrophy (PMID: 17397048). This variant is present in population databases (no rsID available, gnomAD 0.0009%). This sequence change creates a premature translational stop signal (p.Trp240*) in the SLC4A11 gene. It is expected to result in an absent or disrupted protein product. Loss-of-function variants in SLC4A11 are known to be pathogenic (PMID: 17220209, 17679935).

Literature cited by the submitters: PubMed 17397048 (cited by Natera, Inc. and Labcorp Genetics (formerly Invitae), Labcorp); PubMed 17220209 (cited by Labcorp Genetics (formerly Invitae), Labcorp); PubMed 17679935 (cited by Labcorp Genetics (formerly Invitae), Labcorp).